The following is an entry in ClinVar:

ClinVar aggregate classification (germline): Uncertain significance (0 of 4 stars; one submission).

Conditions:
PEX19-related disorder. Also called: PEX19-related condition.

Submission:

PreventionGenetics, part of Exact Sciences
Classification: Uncertain significance for PEX19-related condition. Last evaluated: 2023-11-10. Review status: no assertion criteria provided. Collection method: clinical testing. Allele origin: germline.
Comment: The PEX19 c.130G>C variant is predicted to result in the amino acid substitution p.Ala44Pro. To our knowledge, this variant has not been reported in the literature or in a large population database, indicating this variant is rare. At this time, the clinical significance of this variant is uncertain due to the absence of conclusive functional and genetic evidence.

NM_002857.4(PEX19):c.130G>C (p.Ala44Pro)

Gene: PEX19 (peroxisomal biogenesis factor 19; minus strand). Cytogenetic location: 1q23.2.
Variant type: single nucleotide variant.
Coding change: c.130G>C on transcript NM_002857.4 (MANE Select); coding-DNA position 130, G replaced by C.
Protein change: p.Ala44Pro; replaces alanine 44 with proline.
Molecular consequence: missense variant. On other transcripts: non-coding transcript variant (1).
Genome position (GRCh38, 1-based): chr1:160,283,580, C>G on the plus strand (G>C on the coding strand, the complement: PEX19 is on the minus strand). VCF-style: chr1-160283580-C-G. GRCh37 (hg19) VCF-style: chr1-160253370-C-G.
Other names: c.130G>C, p.Ala44Pro (NM_001193644.1); short protein forms A44P.
Identifiers: ClinVar variation 3033936 (VCV003033936.2), dbSNP rs745665641, ClinGen allele CA343264839.